The following is an entry in ClinVar:

NM_020778.5(ALPK3):c.4314G>A (p.Ser1438=)

Gene: ALPK3 (alpha kinase 3; plus strand). Cytogenetic location: 15q25.3.
Variant type: single nucleotide variant.
Coding change: c.4314G>A on transcript NM_020778.5 (MANE Select); coding-DNA position 4314, G replaced by A.
Protein change: p.Ser1438=; no amino-acid change (serine 1438 retained).
Molecular consequence: synonymous variant.
Genome position (GRCh38, 1-based): chr15:84,862,819, G>A. VCF-style: chr15-84862819-G-A. GRCh37 (hg19) VCF-style: chr15-85406050-G-A.
Identifiers: ClinVar variation 1223838 (VCV001223838.14), dbSNP rs374878079, ClinGen allele CA7709924.
Genomic context (GRCh38, chr15:84,862,819, plus strand): 5'-TGGCCTTCGGAAGGCCTCCCAGGCCAAGGTCATCTACGGGCTGGAACCCATCTTCGAGTC[G>A]GGCCGCACGTGCATCATCAAGGTGTCCAGCCTGCTTGTGTTTGGGCCCAGCAGTGAGACT-3'
Protein context (NP_065829.4, residues 1428-1448): VIYGLEPIFE[Ser1438=]GRTCIIKVSS

ClinVar aggregate classification (germline): Likely benign. Review status: criteria provided, multiple submitters, no conflicts (2 of 4 stars). 4 submissions from 4 submitters: Likely benign (4). Last evaluated 2026-09-21.

Conditions:
Cardiovascular phenotype. Identifiers: MedGen CN230736.

Allele frequency attached by ClinVar (database versions not stated): ExAC 0.00002; gnomAD 0.00004 and 0.00005; gnomAD exomes 0.00006; ESP Exome Variant Server 0.00008.
gnomAD v4.1: 72 of 1,614,132 alleles (0.0045%); highest among the groups gnomAD compares: Admixed American, 0.015%; no homozygotes.

Submissions (4):

Molecular Diagnostic Laboratory for Inherited Cardiovascular Disease, Montreal Heart Institute
Classification: Likely benign. Last evaluated: 2026-09-21. Review status: criteria provided, single submitter. Criteria: ACMG Guidelines, 2015. Collection method: clinical testing. Allele origin: germline. Affected: no.
Comment: BP7

Labcorp Genetics (formerly Invitae), Labcorp
Classification: Likely benign. Last evaluated: 2025-09-26. Review status: criteria provided, single submitter. Criteria: Invitae Variant Classification Sherloc (09022015). Collection method: clinical testing. Allele origin: germline.

GeneDx
Classification: Likely benign. Last evaluated: 2020-09-14. Review status: criteria provided, single submitter. Criteria: GeneDx Variant Classification Process June 2021. Collection method: clinical testing. Allele origin: germline. Affected: yes.

Ambry Genetics
Classification: Likely benign for Cardiovascular phenotype. Last evaluated: 2019-10-01. Review status: criteria provided, single submitter. Criteria: Ambry Variant Classification Scheme 2023. Collection method: clinical testing. Allele origin: germline.